The following is an entry in ClinVar:

ClinVar aggregate classification (germline): Uncertain significance. Review status: criteria provided, single submitter (1 of 4 stars). 2 submissions from 2 submitters: Uncertain significance (1). 1 of the submissions does not count toward it. Last evaluated 2022-09-27.

Conditions:
Cholesteryl ester storage disease (CESD). Also called: Childhood/Adult-Onset LAL-D (Cholesterol Ester Storage Disease [CESD]). Identifiers: Orphanet 75234, MedGen C0008384, MONDO:0019149, OMIM 278000.
Wolman disease (WOLD). Also called: Wolman disease, CESD; LYSOSOMAL ACID LIPASE DEFICIENCY, ACUTE INFANTILE; LYSOSOMAL ACID LIPASE DEFICIENCY, COMPLETE; LIPA DEFICIENCY, COMPLETE; LAL DEFICIENCY, COMPLETE; CHOLESTEROL ESTER HYDROLASE DEFICIENCY, COMPLETE. Identifiers: Orphanet 75233, MedGen C0043208, MONDO:0019148, OMIM 620151.

Allele frequency attached by ClinVar (database versions not stated): gnomAD 0.00001 and 0.00002; TOPMed 0.00004; gnomAD exomes below 0.00001 and 0.00002; ExAC 0.00002.
gnomAD v4.1: 12 of 1,448,822 alleles (0.00083%); highest among the groups gnomAD compares: Admixed American, 0.0084%; no homozygotes.

Submissions (2):

Labcorp Genetics (formerly Invitae), Labcorp
Classification: Uncertain significance for Wolman disease. Last evaluated: 2022-09-27. Review status: criteria provided, single submitter. Criteria: Invitae Variant Classification Sherloc (09022015). Collection method: clinical testing. Allele origin: germline.
Comment: This sequence change falls in intron 5 of the LIPA gene. It does not directly change the encoded amino acid sequence of the LIPA protein. It affects a nucleotide within the consensus splice site. This variant is present in population databases (rs772236690, gnomAD 0.009%). This variant has been observed in individual(s) with severe dyslipidemia and/or liver steatosis (PMID: 28502505). ClinVar contains an entry for this variant (Variation ID: 557809). Variants that disrupt the consensus splice site are a relatively common cause of aberrant splicing (PMID: 17576681, 9536098). Algorithms developed to predict the effect of sequence changes on RNA splicing suggest that this variant may disrupt the consensus splice site. In summary, the available evidence is currently insufficient to determine the role of this variant in disease. Therefore, it has been classified as a Variant of Uncertain Significance.

Counsyl
Classification: Uncertain significance for Cholesteryl ester storage disease. Last evaluated: 2018-04-06. Review status: no assertion criteria provided. Collection method: clinical testing. Allele origin: unknown. Not counted in ClinVar's aggregate classification.

Literature cited by the submitters: PubMed 28502505 (cited by Labcorp Genetics (formerly Invitae), Labcorp and Counsyl); PubMed 17576681 (cited by Labcorp Genetics (formerly Invitae), Labcorp); PubMed 9536098 (cited by Labcorp Genetics (formerly Invitae), Labcorp).

NM_000235.4(LIPA):c.538+6T>C

Gene: LIPA (lipase A, lysosomal acid type; minus strand). Cytogenetic location: 10q23.31.
Variant type: single nucleotide variant.
Coding change: c.538+6T>C on transcript NM_000235.4 (MANE Select); 6 bases into the intron after coding-DNA position 538, T replaced by C.
Molecular consequence: intron variant.
Genome position (GRCh38, 1-based): chr10:89,226,889, A>G on the plus strand (T>C on the coding strand, the complement: LIPA is on the minus strand). VCF-style: chr10-89226889-A-G. GRCh37 (hg19) VCF-style: chr10-90986646-A-G.
Other names: c.190+6T>C (NM_001288979.2); c.538+6T>C (NM_001127605.3).
Identifiers: ClinVar variation 557809 (VCV000557809.6), dbSNP rs772236690, ClinGen allele CA5593705.